The following is an entry in ClinVar:

ClinVar aggregate classification (germline): Pathogenic/Likely pathogenic. Review status: criteria provided, multiple submitters, no conflicts (2 of 4 stars). 2 submissions from 2 submitters: Pathogenic (1); Likely pathogenic (1). Last evaluated 2024-10-04.

Conditions:
Polycystic kidney disease, adult type (PKD1). Also called: POLYCYSTIC KIDNEY DISEASE, ADULT, TYPE I; Polycystic Kidney Disease 1, Autosomal Dominant; Polycystic kidney disease 1; Polycystic kidney disease 1, severe; Polycystic Kidney, Autosomal Dominant; POLYCYSTIC KIDNEY DISEASE 1 WITH OR WITHOUT POLYCYSTIC LIVER DISEASE. Identifiers: MedGen C3149841, MONDO:0008263, OMIM 173900.

Submissions (2):

Dubai Health Genomic Medicine Center, Dubai Health
Classification: Likely pathogenic for Polycystic kidney disease 1. Last evaluated: 2024-10-04. Review status: criteria provided, single submitter. Criteria: ACMG Guidelines, 2015. Collection method: research. Allele origin: germline. Affected: yes.
Comment: PVS1,PM2

Fulgent Genetics
Classification: Pathogenic for Polycystic kidney disease, adult type. Last evaluated: 2024-05-17. Review status: criteria provided, single submitter. Criteria: ACMG Guidelines, 2015. Collection method: clinical testing. Allele origin: germline.

NM_001009944.3(PKD1):c.11888G>A (p.Trp3963Ter)

Gene: PKD1 (polycystin 1, transient receptor potential channel interacting; minus strand). Cytogenetic location: 16p13.3.
Variant type: single nucleotide variant.
Coding change: c.11888G>A on transcript NM_001009944.3 (MANE Select); coding-DNA position 11888, G replaced by A.
Protein change: p.Trp3963Ter; replaces tryptophan 3963 with a stop codon.
Molecular consequence: nonsense.
Genome position (GRCh38, 1-based): chr16:2,090,999, C>T on the plus strand (G>A on the coding strand, the complement: PKD1 is on the minus strand). VCF-style: chr16-2090999-C-T. GRCh37 (hg19) VCF-style: chr16-2141000-C-T.
Other names: c.11885G>A, p.Trp3962Ter (NM_000296.4); short protein forms W3962*, W3963*.
Identifiers: ClinVar variation 3384003 (VCV003384003.2).